The following is an entry in ClinVar:

NM_001084.5(PLOD3):c.879+18G>A

Gene: PLOD3 (procollagen-lysine,2-oxoglutarate 5-dioxygenase 3; minus strand). Cytogenetic location: 7q22.1.
Variant type: single nucleotide variant.
Coding change: c.879+18G>A on transcript NM_001084.5 (MANE Select); 18 bases into the intron after coding-DNA position 879, G replaced by A.
Molecular consequence: intron variant.
Genome position (GRCh38, 1-based): chr7:101,212,824, C>T on the plus strand (G>A on the coding strand, the complement: PLOD3 is on the minus strand). VCF-style: chr7-101212824-C-T. GRCh37 (hg19) VCF-style: chr7-100856105-C-T.
Identifiers: ClinVar variation 2116867 (VCV002116867.4), dbSNP rs1798207580, ClinGen allele CA1729713000.
Genomic context (GRCh38, chr7:101,212,824, plus strand): 5'-GCCCCCCAGTCCGCTGTCCTTGTACCTCCTGCTCAGCACGCTGCCCTCTCGTGCCCCTCC[C>T]TGGCACCCCCACCTCACCTGCCCCCCCGGGAGTGTCCTCCGGTCCTGGTTGCAGAAGCCA-3'

ClinVar aggregate classification (germline): Uncertain significance (1 of 4 stars; one submission).

Submission:

Labcorp Genetics (formerly Invitae), Labcorp
Classification: Uncertain significance. Last evaluated: 2022-03-25. Review status: criteria provided, single submitter. Criteria: Invitae Variant Classification Sherloc (09022015). Collection method: clinical testing. Allele origin: germline.
Comment: In summary, the available evidence is currently insufficient to determine the role of this variant in disease. Therefore, it has been classified as a Variant of Uncertain Significance. Algorithms developed to predict the effect of sequence changes on RNA splicing suggest that this variant may create or strengthen a splice site. This sequence change falls in intron 8 of the PLOD3 gene. It does not directly change the encoded amino acid sequence of the PLOD3 protein. This variant is not present in population databases (gnomAD no frequency). This variant has not been reported in the literature in individuals affected with PLOD3-related conditions.